The following is an entry in ClinVar:

NM_030773.4(TUBB1):c.791A>G (p.His264Arg)

Gene: TUBB1 (tubulin beta 1 class VI; plus strand). Cytogenetic location: 20q13.32.
Variant type: single nucleotide variant.
Coding change: c.791A>G on transcript NM_030773.4 (MANE Select); coding-DNA position 791, A replaced by G.
Protein change: p.His264Arg; replaces histidine 264 with arginine.
Molecular consequence: missense variant.
Genome position (GRCh38, 1-based): chr20:59,024,218, A>G. VCF-style: chr20-59024218-A-G. GRCh37 (hg19) VCF-style: chr20-57599273-A-G.
Other names: short protein forms H264R.
Identifiers: ClinVar variation 3707661 (VCV003707661.2).

ClinVar aggregate classification (germline): Uncertain significance (1 of 4 stars; one submission).

Submission:

Labcorp Genetics (formerly Invitae), Labcorp
Classification: Uncertain significance. Last evaluated: 2025-01-29. Review status: criteria provided, single submitter. Criteria: Invitae Variant Classification Sherloc (09022015). Collection method: clinical testing. Allele origin: germline.
Comment: This sequence change replaces histidine, which is basic and polar, with arginine, which is basic and polar, at codon 264 of the TUBB1 protein (p.His264Arg). This variant is not present in population databases (gnomAD no frequency). This variant has not been reported in the literature in individuals affected with TUBB1-related conditions. Invitae Evidence Modeling of protein sequence and biophysical properties (such as structural, functional, and spatial information, amino acid conservation, physicochemical variation, residue mobility, and thermodynamic stability) indicates that this missense variant is expected to disrupt TUBB1 protein function with a positive predictive value of 80%. In summary, the available evidence is currently insufficient to determine the role of this variant in disease. Therefore, it has been classified as a Variant of Uncertain Significance.